The following is an entry in ClinVar:

ClinVar aggregate classification (germline): Uncertain significance. Review status: criteria provided, multiple submitters, no conflicts (2 of 4 stars). 2 submissions from 2 submitters: Uncertain significance (2). Last evaluated 2023-05-18.

Conditions:
Pancreatic adenocarcinoma. Identifiers: MedGen C0281361, MONDO:0006047, HP:0006725.

gnomAD v4.1: 2 of 1,614,054 alleles (0.00012%); highest among the groups gnomAD compares: Non-Finnish European, 0.00017%; no homozygotes.

Submissions (2):

Ambry Genetics
Classification: Uncertain significance. Last evaluated: 2023-05-18. Review status: criteria provided, single submitter. Criteria: Ambry Variant Classification Scheme 2023. Collection method: clinical testing. Allele origin: germline.
Comment: The p.C1095S variant (also known as c.3284G>C), located in coding exon 18 of the PALLD gene, results from a G to C substitution at nucleotide position 3284. The cysteine at codon 1095 is replaced by serine, an amino acid with dissimilar properties. This amino acid position is conserved. In addition, this alteration is predicted to be tolerated by in silico analysis. Since supporting evidence is limited at this time, the clinical significance of this alteration remains unclear.

Labcorp Genetics (formerly Invitae), Labcorp
Classification: Uncertain significance for Pancreatic adenocarcinoma. Last evaluated: 2020-03-02. Review status: criteria provided, single submitter. Criteria: Invitae Variant Classification Sherloc (09022015). Collection method: clinical testing. Allele origin: germline.
Comment: This sequence change replaces cysteine with serine at codon 608 of the PALLD protein (p.Cys608Ser). The cysteine residue is highly conserved and there is a moderate physicochemical difference between cysteine and serine. This variant is not present in population databases (ExAC no frequency). This variant has not been reported in the literature in individuals with PALLD-related conditions. Algorithms developed to predict the effect of missense changes on protein structure and function are either unavailable or do not agree on the potential impact of this missense change (SIFT: "Deleterious"; PolyPhen-2: "Benign"; Align-GVGD: "Class C65"). In summary, the available evidence is currently insufficient to determine the role of this variant in disease. Therefore, it has been classified as a Variant of Uncertain Significance.

NM_001166108.2(PALLD):c.3335G>C (p.Cys1112Ser)

Genes: CBR4 (carbonyl reductase 4; minus strand), PALLD (palladin, cytoskeletal associated protein; plus strand). Cytogenetic location: 4q32.3.
Variant type: single nucleotide variant.
Coding change: c.3335G>C on transcript NM_001166108.2 (MANE Select); coding-DNA position 3335, G replaced by C.
Protein change: p.Cys1112Ser; replaces cysteine 1112 with serine.
Molecular consequence: missense variant.
Genome position (GRCh38, 1-based): chr4:168,925,055, G>C. VCF-style: chr4-168925055-G-C. GRCh37 (hg19) VCF-style: chr4-169846206-G-C.
Other names: c.2138G>C, p.Cys713Ser (NM_001166109.2); c.1823G>C, p.Cys608Ser (NM_001166110.2); c.1163G>C, p.Cys388Ser (NM_001367567.1, NM_001367569.1); c.1214G>C, p.Cys405Ser (NM_001367568.1, NM_001367570.1); c.3284G>C, p.Cys1095Ser (NM_016081.4); c.3284G>C (NM_016081.3); short protein forms C1095S, C1112S, C388S, C405S, C608S, C713S.
Identifiers: ClinVar variation 1061054 (VCV001061054.10), dbSNP rs754236496, ClinGen allele CA358714286.